The following is an entry in ClinVar:

NM_002693.3(POLG):c.127_128insGGCAGC (p.Arg42_Gln43insArgGln)

Genes: POLGARF (POLG alternative reading frame; minus strand), POLG (DNA polymerase gamma, catalytic subunit; minus strand). Cytogenetic location: 15q26.1.
Variant type: Insertion.
Coding change: c.127_128insGGCAGC on transcript NM_002693.3 (MANE Select); coding-DNA positions 127 to 128, GGCAGC inserted.
Protein change: p.Arg42_Gln43insArgGln.
Molecular consequence: inframe insertion.
Genome position: GRCh38 VCF-style: chr15-89333627-T-TGCTGCC. GRCh37 (hg19) VCF-style: chr15-89876858-T-TGCTGCC.
Other names: p.Arg42_Gln43insArgGln; c.127_128insGGCAGC, p.Arg42_Gln43insArgGln (NM_001126131.2); c.127_128insGGCAGC (NM_002693.2).
Identifiers: ClinVar variation 1047240 (VCV001047240.10), dbSNP rs776122200, ClinGen allele CA619857529.

ClinVar aggregate classification (germline): Uncertain significance. Review status: criteria provided, multiple submitters, no conflicts (2 of 4 stars). 4 submissions from 4 submitters: Uncertain significance (3). 1 of the submissions does not count toward it. Last evaluated 2026-08-06.

Conditions:
POLG-related disorder. Also called: POLG-Related Spectrum Disorders; POLG-related condition; POLG-Related Disorders. Identifiers: MedGen C4763519.
Progressive sclerosing poliodystrophy (MTDPS4A). Also called: ALPERS PROGRESSIVE INFANTILE POLIODYSTROPHY; Mitochondrial DNA Depletion Syndrome 4A; Alpers Syndrome; ALPERS DIFFUSE DEGENERATION OF CEREBRAL GRAY MATTER WITH HEPATIC CIRRHOSIS; Alpers-Huttenlocher Syndrome; NEURONAL DEGENERATION OF CHILDHOOD WITH LIVER DISEASE, PROGRESSIVE. Identifiers: Orphanet 726, MedGen C0205710, MONDO:0008758, OMIM 203700.
Progressive external ophthalmoplegia with mitochondrial DNA deletions, autosomal dominant 1 (PEOA1). Also called: PROGRESSIVE EXTERNAL OPHTHALMOPLEGIA, AUTOSOMAL DOMINANT 1; Autosomal Dominant Progressive External Ophthalmoplegia (adPEO). Identifiers: MedGen C1834846, MONDO:0024528, OMIM 157640.

Submissions (4):

OLLIN Analises Genomicas, OLLIN
Classification: Uncertain significance for Progressive external ophthalmoplegia with mitochondrial DNA deletions, autosomal dominant 1. Last evaluated: 2026-08-06. Review status: criteria provided, single submitter. Criteria: ACMG Guidelines 2015 PMID 25741868. Collection method: clinical testing. Allele origin: germline.
Comment: This in-frame duplication, located in exon 1 (of 2), has been reported in ClinVar (accession VCV001047240.9) and in gnomAD with an allele frequency of 0.00304%. However, to our knowledge, it has not been reported in the scientific literature. This variant affects 0 amino acids without disrupting the reading frame. According to the currently available evidence, this variant has been classified as uncertain significance (PM2_P, BP3).

Labcorp Genetics (formerly Invitae), Labcorp
Classification: Uncertain significance for Progressive sclerosing poliodystrophy. Last evaluated: 2026-02-01. Review status: criteria provided, single submitter. Criteria: Invitae Variant Classification Sherloc (09022015). Collection method: clinical testing. Allele origin: germline.
Comment: This variant, c.127_128insGGCAGC, results in the insertion of 2 amino acid(s) of the POLG protein (p.Arg42_Gln43insArgGln), but otherwise preserves the integrity of the reading frame. The frequency data for this variant in the population databases is considered unreliable, as metrics indicate poor data quality at this position in the gnomAD database. This variant has not been reported in the literature in individuals affected with POLG-related conditions. ClinVar contains an entry for this variant (Variation ID: 1047240). Experimental studies and prediction algorithms are not available or were not evaluated, and the functional significance of this variant is currently unknown. In summary, the available evidence is currently insufficient to determine the role of this variant in disease. Therefore, it has been classified as a Variant of Uncertain Significance.

Mayo Clinic Laboratories, Mayo Clinic
Classification: Uncertain significance. Last evaluated: 2022-10-04. Review status: criteria provided, single submitter. Criteria: ACMG Guidelines, 2015. Collection method: clinical testing. Allele origin: germline. Observed: 1 variant allele.

PreventionGenetics, part of Exact Sciences
Classification: Likely benign for POLG-related condition. Last evaluated: 2024-07-23. Review status: no assertion criteria provided. Collection method: clinical testing. Allele origin: germline. Not counted in ClinVar's aggregate classification.
Comment: This variant is classified as likely benign based on ACMG/AMP sequence variant interpretation guidelines (Richards et al. 2015 PMID: 25741868, with internal and published modifications).